The following is an entry in ClinVar:

NM_000443.4(ABCB4):c.2192T>C (p.Ile731Thr)

Gene: ABCB4 (ATP binding cassette subfamily B member 4; minus strand). Cytogenetic location: 7q21.12.
Variant type: single nucleotide variant.
Coding change: c.2192T>C on transcript NM_000443.4 (MANE Select); coding-DNA position 2192, T replaced by C.
Protein change: p.Ile731Thr; replaces isoleucine 731 with threonine.
Molecular consequence: missense variant.
Genome position (GRCh38, 1-based): chr7:87,423,925, A>G on the plus strand (T>C on the coding strand, the complement: ABCB4 is on the minus strand). VCF-style: chr7-87423925-A-G. GRCh37 (hg19) VCF-style: chr7-87053241-A-G.
Other names: c.2192T>C, p.Ile731Thr (NM_018849.3, NM_018850.3); short protein forms I731T.
Identifiers: ClinVar variation 3678011 (VCV003678011.2).

ClinVar aggregate classification (germline): Uncertain significance (1 of 4 stars; one submission).

Submission:

Labcorp Genetics (formerly Invitae), Labcorp
Classification: Uncertain significance. Last evaluated: 2024-06-25. Review status: criteria provided, single submitter. Criteria: Invitae Variant Classification Sherloc (09022015). Collection method: clinical testing. Allele origin: germline.
Comment: This sequence change replaces isoleucine, which is neutral and non-polar, with threonine, which is neutral and polar, at codon 731 of the ABCB4 protein (p.Ile731Thr). This variant is not present in population databases (gnomAD no frequency). This variant has not been reported in the literature in individuals affected with ABCB4-related conditions. Advanced modeling of protein sequence and biophysical properties (such as structural, functional, and spatial information, amino acid conservation, physicochemical variation, residue mobility, and thermodynamic stability) has been performed at Invitae for this missense variant, however the output from this modeling did not meet the statistical confidence thresholds required to predict the impact of this variant on ABCB4 protein function. In summary, the available evidence is currently insufficient to determine the role of this variant in disease. Therefore, it has been classified as a Variant of Uncertain Significance.